The following is an entry in ClinVar:

ClinVar aggregate classification (germline): Uncertain significance (1 of 4 stars; one submission).

Conditions:
Collagen 6-related myopathy. Identifiers: MedGen CN117976, MONDO:0100225.

Submission:

Molecular Genetics, Royal Melbourne Hospital
Classification: Uncertain significance for Collagen 6-related myopathy. Last evaluated: 2024-02-05. Review status: criteria provided, single submitter. Criteria: ACMG Guidelines, 2015. Collection method: clinical testing. Allele origin: germline. Inheritance: Autosomal dominant inheritance.
Comment: This sequence change in COL6A2 is predicted to replace serine with isoleucine at codon 622, p.(Ser622Ile). The serine residue is highly conserved (100 vertebrates, Multiz Alignments), and is located in the second von Willebrand factor type A domain. There is a large physicochemical difference between serine and isoleucine. This variant is absent from the population database gnomAD v4.0. To our knowledge, this variant is novel and has not been previously reported in the relevant scientific literature or databases. Computational evidence predicts a deleterious effect for the missense substitution (REVEL = 0.9). Another missense variant c.1865G>A p.(Ser622Asn) in the same codon has been reported in individuals with phenotypes consistent with collagen 6-related myopathy (PMID: 32528171; ClinVar: SCV001390923.4). Based on the classification scheme RMH Modified ACMG/AMP Guidelines v1.6.1, this variant is classified as a VARIANT OF UNCERTAIN SIGNIFICANCE. Following criteria are met: PM2_Supporting, PP3.

Literature cited by the submitters: PubMed 32528171.

NM_001849.4(COL6A2):c.1865G>T (p.Ser622Ile)

Gene: COL6A2 (collagen type VI alpha 2 chain; plus strand). Cytogenetic location: 21q22.3.
Variant type: single nucleotide variant.
Coding change: c.1865G>T on transcript NM_001849.4 (MANE Select); coding-DNA position 1865, G replaced by T.
Protein change: p.Ser622Ile; replaces serine 622 with isoleucine.
Molecular consequence: missense variant.
Genome position (GRCh38, 1-based): chr21:46,125,513, G>T. VCF-style: chr21-46125513-G-T. GRCh37 (hg19) VCF-style: chr21-47545427-G-T.
Other names: c.1865G>T, p.Ser622Ile (NM_058174.3, NM_058175.3); short protein forms S622I.
Identifiers: ClinVar variation 3068596 (VCV003068596.1), dbSNP rs2078648587, ClinGen allele CA410538533.